The following is an entry in ClinVar:

ClinVar aggregate classification (germline): Uncertain significance (1 of 4 stars; one submission).

Allele frequency attached by ClinVar (database versions not stated): gnomAD 0.00001; TOPMed 0.00003; gnomAD exomes 0.00004; ESP Exome Variant Server 0.00008; ExAC 0.00009.
gnomAD v4.1: 56 of 1,613,530 alleles (0.0035%); highest among the groups gnomAD compares: Non-Finnish European, 0.0045%; no homozygotes.

Submission:

Labcorp Genetics (formerly Invitae), Labcorp
Classification: Uncertain significance. Last evaluated: 2025-09-01. Review status: criteria provided, single submitter. Criteria: Invitae Variant Classification Sherloc (09022015). Collection method: clinical testing. Allele origin: germline.
Comment: This sequence change replaces threonine, which is neutral and polar, with isoleucine, which is neutral and non-polar, at codon 476 of the NFKB1 protein (p.Thr476Ile). This variant is present in population databases (rs368857298, gnomAD 0.008%). This missense change has been observed in individual(s) with clinical features of NKFB1 deficiency (PMID: 32278790). ClinVar contains an entry for this variant (Variation ID: 2063863). An algorithm developed to predict the effect of missense changes on protein structure and function (PolyPhen-2) suggests that this variant is likely to be tolerated. In summary, the available evidence is currently insufficient to determine the role of this variant in disease. Therefore, it has been classified as a Variant of Uncertain Significance.

Literature cited by the submitters: PubMed 32278790.

NM_003998.4(NFKB1):c.1427C>T (p.Thr476Ile)

Gene: NFKB1 (nuclear factor kappa B subunit 1; plus strand). Cytogenetic location: 4q24.
Variant type: single nucleotide variant.
Coding change: c.1427C>T on transcript NM_003998.4 (MANE Select); coding-DNA position 1427, C replaced by T.
Protein change: p.Thr476Ile; replaces threonine 476 with isoleucine.
Molecular consequence: missense variant.
Genome position (GRCh38, 1-based): chr4:102,596,264, C>T. VCF-style: chr4-102596264-C-T. GRCh37 (hg19) VCF-style: chr4-103517421-C-T.
Other names: c.1424C>T, p.Thr475Ile (NM_001165412.2, NM_001319226.2, NM_001382627.1); c.1427C>T, p.Thr476Ile (NM_001382625.1, NM_001382626.1); c.1385C>T, p.Thr462Ile (NM_001382628.1); short protein forms T476I, T462I, T475I.
Identifiers: ClinVar variation 2063863 (VCV002063863.4), dbSNP rs368857298, ClinGen allele CA3026150.